The following is an entry in ClinVar:

NM_001378452.1(ITPR1):c.248C>G (p.Thr83Ser)

Gene: ITPR1 (inositol 1,4,5-trisphosphate receptor type 1; plus strand). Cytogenetic location: 3p26.1.
Variant type: single nucleotide variant.
Coding change: c.248C>G on transcript NM_001378452.1 (MANE Select); coding-DNA position 248, C replaced by G.
Protein change: p.Thr83Ser; replaces threonine 83 with serine.
Molecular consequence: missense variant.
Genome position (GRCh38, 1-based): chr3:4,627,847, C>G. VCF-style: chr3-4627847-C-G. GRCh37 (hg19) VCF-style: chr3-4669531-C-G.
Other names: c.248C>G, p.Thr83Ser (NM_001099952.4, NM_001168272.2, NM_002222.7); short protein forms T83S.
Identifiers: ClinVar variation 2237277 (VCV002237277.5), dbSNP rs774483090, ClinGen allele CA2230832.

ClinVar aggregate classification (germline): Uncertain significance. Review status: criteria provided, multiple submitters, no conflicts (2 of 4 stars). 2 submissions from 2 submitters: Uncertain significance (2). Last evaluated 2023-08-22.

Conditions:
Inborn genetic diseases. Identifiers: MedGen C0950123, MeSH D030342.

Allele frequency attached by ClinVar (database versions not stated): gnomAD exomes below 0.00001; TOPMed below 0.00001; ExAC 0.00001.
gnomAD v4.1: 3 of 1,613,490 alleles (0.00019%); highest among the groups gnomAD compares: Admixed American, 0.0033%; no homozygotes.

Submissions (2):

Labcorp Genetics (formerly Invitae), Labcorp
Classification: Uncertain significance. Last evaluated: 2023-08-22. Review status: criteria provided, single submitter. Criteria: Invitae Variant Classification Sherloc (09022015). Collection method: clinical testing. Allele origin: germline.
Comment: In summary, the available evidence is currently insufficient to determine the role of this variant in disease. Therefore, it has been classified as a Variant of Uncertain Significance. Advanced modeling of protein sequence and biophysical properties (such as structural, functional, and spatial information, amino acid conservation, physicochemical variation, residue mobility, and thermodynamic stability) performed at Invitae indicates that this missense variant is not expected to disrupt ITPR1 protein function. ClinVar contains an entry for this variant (Variation ID: 2237277). This variant has not been reported in the literature in individuals affected with ITPR1-related conditions. This variant is present in population databases (rs774483090, gnomAD 0.003%). This sequence change replaces threonine, which is neutral and polar, with serine, which is neutral and polar, at codon 83 of the ITPR1 protein (p.Thr83Ser).

Ambry Genetics
Classification: Uncertain significance for Inborn genetic diseases. Last evaluated: 2021-07-14. Review status: criteria provided, single submitter. Criteria: Ambry Variant Classification Scheme 2023. Collection method: clinical testing. Allele origin: germline.